The following is an entry in ClinVar:

ClinVar aggregate classification (germline): Uncertain significance (1 of 4 stars; one submission).

Conditions:
Glycogen storage disease IXc (GSD9C). Also called: GSD IXc. Identifiers: Orphanet 264580, MedGen C2751643, MONDO:0013091, OMIM 613027.

Submission:

Labcorp Genetics (formerly Invitae), Labcorp
Classification: Uncertain significance for Glycogen storage disease IXc. Last evaluated: 2018-12-17. Review status: criteria provided, single submitter. Criteria: Invitae Variant Classification Sherloc (09022015). Collection method: clinical testing. Allele origin: germline.
Comment: This sequence change replaces tyrosine with cysteine at codon 24 of the PHKG2 protein (p.Tyr24Cys). The tyrosine residue is moderately conserved and there is a large physicochemical difference between tyrosine and cysteine. This variant is not present in population databases (ExAC no frequency). This variant has not been reported in the literature in individuals with PHKG2-related disease. Algorithms developed to predict the effect of missense changes on protein structure and function are either unavailable or do not agree on the potential impact of this missense change (SIFT: "Deleterious"; PolyPhen-2: "Probably Damaging"; Align-GVGD: "Class C0"). In summary, the available evidence is currently insufficient to determine the role of this variant in disease. Therefore, it has been classified as a Variant of Uncertain Significance.

NM_000294.3(PHKG2):c.71A>G (p.Tyr24Cys)

Gene: PHKG2 (phosphorylase kinase catalytic subunit gamma 2; plus strand). Cytogenetic location: 16p11.2.
Variant type: single nucleotide variant.
Coding change: c.71A>G on transcript NM_000294.3 (MANE Select); coding-DNA position 71, A replaced by G.
Protein change: p.Tyr24Cys; replaces tyrosine 24 with cysteine.
Molecular consequence: missense variant.
Genome position (GRCh38, 1-based): chr16:30,748,891, A>G. VCF-style: chr16-30748891-A-G. GRCh37 (hg19) VCF-style: chr16-30760212-A-G.
Other names: c.71A>G, p.Tyr24Cys (NM_001172432.2); short protein forms Y24C.
Identifiers: ClinVar variation 646983 (VCV000646983.8), dbSNP rs1596677187, ClinGen allele CA395651138.